The following is an entry in ClinVar:

Conditions:
Breast-ovarian cancer, familial, susceptibility to, 1 (BROVCA1). Also called: BRCA1 Hereditary Breast and Ovarian Cancer; OVARIAN CANCER, SUSCEPTIBILITY TO. Identifiers: Orphanet 145, MedGen C2676676, MONDO:0011450, OMIM 604370. Disease mechanism: loss of function.

Submission:

Brotman Baty Institute, University of Washington
No classification provided (evidence only). Condition: Breast-ovarian cancer, familial 1. Review status: no classification provided. Collection method: in vitro. Allele origin: not applicable. Functional consequence: functionally_abnormal.
ClinVar note: "not provided" was previously submitted as the classification for the variant. However, the classification appeared to be based only on an observation of functional data so it was converted to no classification on 2025-07-30.

NM_007294.4(BRCA1):c.5077G>T (p.Ala1693Ser)

Gene: BRCA1 (BRCA1 DNA repair associated; minus strand). Cytogenetic location: 17q21.31.
Variant type: single nucleotide variant.
Coding change: c.5077G>T on transcript NM_007294.4 (MANE Select); coding-DNA position 5077, G replaced by T.
Protein change: p.Ala1693Ser; replaces alanine 1693 with serine.
Molecular consequence: missense variant. On other transcripts: non-coding transcript variant (1).
Genome position (GRCh38, 1-based): chr17:43,063,949, C>A on the plus strand (G>T on the coding strand, the complement: BRCA1 is on the minus strand). VCF-style: chr17-43063949-C-A. GRCh37 (hg19) VCF-style: chr17-41215966-C-A.
Other names: c.4864G>T, p.Ala1622Ser (NM_001407571.1, NM_001407900.1, NM_001407902.1 and 12 more transcripts); c.5143G>T, p.Ala1715Ser (NM_001407581.1, NM_001407582.1); c.5140G>T, p.Ala1714Ser (NM_001407583.1, NM_001407585.1, NM_001407587.1 and 1 more transcripts); c.5137G>T, p.Ala1713Ser (NM_001407590.1, NM_001407591.1); c.5077G>T, p.Ala1693Ser (NM_001407593.1, NM_001407594.1, NM_001407596.1 and 7 more transcripts); c.5074G>T, p.Ala1692Ser (NM_001407610.1, NM_001407611.1, NM_001407612.1 and 17 more transcripts); c.5071G>T, p.Ala1691Ser (NM_001407627.1, NM_001407628.1, NM_001407629.1 and 14 more transcripts); c.5062G>T, p.Ala1688Ser (NM_001407647.1); and 71 more; short protein forms A1693S, A1714S, A589S, A1646S, A1581S, A1603S, A1605S, A1623S.
Identifiers: ClinVar variation 864929 (VCV000864929.3), dbSNP rs1040027065, ClinGen allele CA10591368.
Genomic context (GRCh38, chr17:43,063,949, plus strand): 5'-CCCATTTTCCTCCCGCAATTCCTAGAAAATATTTCAGTGTCCGTTCACACACAAACTCAG[C>A]ATCTGCAGAATGAAAAACACTCAAAGGATTAGAAGTTGAAAACAAAATCAGGAAGTGCTG-3'
Protein context (NP_009225.1, residues 1683-1703): ETTHVVMKTD[Ala1693Ser]EFVCERTLKY